The following is an entry in ClinVar:

NM_000350.3(ABCA4):c.156T>G (p.His52Gln)

Gene: ABCA4 (ATP binding cassette subfamily A member 4; minus strand). Cytogenetic location: 1p22.1.
Variant type: single nucleotide variant.
Coding change: c.156T>G on transcript NM_000350.3 (MANE Select); coding-DNA position 156, T replaced by G.
Protein change: p.His52Gln; replaces histidine 52 with glutamine.
Molecular consequence: missense variant.
Genome position (GRCh38, 1-based): chr1:94,112,977, A>C on the plus strand (T>G on the coding strand, the complement: ABCA4 is on the minus strand). VCF-style: chr1-94112977-A-C. GRCh37 (hg19) VCF-style: chr1-94578533-A-C.
Other names: NM_000350.3(ABCA4):c.156T>G; p.His52Gln; c.156T>G, p.His52Gln (NM_001425324.1); short protein forms H52Q.
Identifiers: ClinVar variation 841821 (VCV000841821.12), dbSNP rs557725292, ClinGen allele CA958920.

ClinVar aggregate classification (germline): Uncertain significance. Review status: reviewed by expert panel (3 of 4 stars). 4 submissions from 4 submitters: Uncertain significance (1). 3 of the submissions do not count toward it. Last evaluated 2026-05-05.

Conditions:
ABCA4-related retinopathy. Also called: ABCA4-related retinoapthy; ABCA4 retinoapthy. Identifiers: MedGen CN322612, MONDO:0800406.

Allele frequency attached by ClinVar (database versions not stated): gnomAD exomes below 0.00001 and 0.00001; ExAC 0.00002; gnomAD 0.00004; TOPMed 0.00004; 1000 Genomes Project 30x 0.00016; 1000 Genomes Project 0.00020.
gnomAD v4.1: 8 of 1,613,088 alleles (0.0005%); highest among the groups gnomAD compares: African/African-American, 0.011%; no homozygotes.

Submissions (4):

ClinGen ABCA4 Variant Curation Expert Panel, Clingen
Classification: Uncertain significance for ABCA4-related retinopathy. Last evaluated: 2026-05-05. Review status: reviewed by expert panel. Criteria: ClinGen ABCA4 ACMG Specifications V1.0.0. Collection method: curation. Allele origin: germline. Inheritance: Autosomal recessive inheritance.
Comment: The NM_000350.3(ABCA4):c.156T>G variant in ABCA4 is a missense variant predicted to cause substitution of Histidine by Glutamine at amino acid 52 (p.His52Gln). The total minor allele frequency in gnomAD v4.1.0 is 0.000004959 (8/1613088 alleles), which is lower than the ClinGen ABCA4 VCEP’s threshold for PM2_Supporting (<0.0001). The computational predictor REVEL gives a score of 0.716 which is in the range of 0.644-0.772, evidence that predicts a damaging effect on ABCA4 function (PP3). The variant has been observed in at least two probands; however, in each case the variant was identified with two additional variants where phase was unknown, so PM3 nor PP4 were applied. In both cases, this variant was observed with the ABCA4 c.4169T>C variant (PMID: 25082885, 37705246). In summary, this variant meets the criteria to be classified as a variant of uncertain significance for ABCA4-related retinopathy based on the ACMG/AMP criteria applied, as specified by the ClinGen ABCA4 VCEP specification version 1.0.0: PM2_Supporting, PP3.

GeneDx
Classification: Uncertain significance. Last evaluated: 2026-04-03. Review status: criteria provided, single submitter. Criteria: GeneDx Variant Classification Process June 2021. Collection method: clinical testing. Allele origin: germline. Not counted in ClinVar's aggregate classification.
Comment: Observed with two other ABCA4 variants in a patient with cone-rod dystrophy in published literature, but it is not known whether the variants occurred on the same (in cis) or on different (in trans) chromosomes (PMID: 25082885); In silico analysis supports that this missense variant has a deleterious effect on protein structure/function; This variant is associated with the following publications: (PMID: 25082885, 37705246)

Labcorp Genetics (formerly Invitae), Labcorp
Classification: Uncertain significance. Last evaluated: 2025-12-15. Review status: criteria provided, single submitter. Criteria: Invitae Variant Classification Sherloc (09022015). Collection method: clinical testing. Allele origin: germline. Not counted in ClinVar's aggregate classification.
Comment: This sequence change replaces histidine, which is basic and polar, with glutamine, which is neutral and polar, at codon 52 of the ABCA4 protein (p.His52Gln). This variant is present in population databases (rs557725292, gnomAD 0.02%). This missense change has been observed in individual(s) with clinical features of Stargardt disease (PMID: 37705246). ClinVar contains an entry for this variant (Variation ID: 841821). Invitae Evidence Modeling of protein sequence and biophysical properties (such as structural, functional, and spatial information, amino acid conservation, physicochemical variation, residue mobility, and thermodynamic stability) has been performed for this missense variant. However, the output from this modeling did not meet the statistical confidence thresholds required to predict the impact of this variant on ABCA4 protein function. In summary, the available evidence is currently insufficient to determine the role of this variant in disease. Therefore, it has been classified as a Variant of Uncertain Significance.

Blueprint Genetics
Classification: Uncertain significance. Last evaluated: 2018-02-07. Review status: criteria provided, single submitter. Criteria: ACMG Guidelines, 2015. Collection method: clinical testing. Allele origin: germline. Not counted in ClinVar's aggregate classification.

Literature cited by the submitters: PubMed 37705246 (cited by Labcorp Genetics (formerly Invitae), Labcorp).